The following is an entry in ClinVar:

ClinVar aggregate classification (germline): Uncertain significance (1 of 4 stars; one submission).

Conditions:
Hereditary cancer-predisposing syndrome. Also called: Tumor predisposition; Hereditary Cancer Syndrome; Hereditary neoplastic syndrome; Neoplastic Syndromes, Hereditary. Identifiers: Orphanet 140162, MedGen C0027672, MeSH D009386, MONDO:0015356.

Submission:

Ambry Genetics
Classification: Uncertain significance for Hereditary cancer-predisposing syndrome. Last evaluated: 2024-05-04. Review status: criteria provided, single submitter. Criteria: Ambry Variant Classification Scheme 2023. Collection method: clinical testing. Allele origin: germline.
Comment: The p.T611P variant (also known as c.1831A>C), located in coding exon 5 of the MET gene, results from an A to C substitution at nucleotide position 1831. The threonine at codon 611 is replaced by proline, an amino acid with highly similar properties. This amino acid position is conserved. In addition, this alteration is predicted to be tolerated by in silico analysis. Based on the available evidence, the clinical significance of this variant remains unclear.

NM_000245.4(MET):c.1831A>C (p.Thr611Pro)

Gene: MET (MET proto-oncogene, receptor tyrosine kinase; plus strand). Cytogenetic location: 7q31.2.
Variant type: single nucleotide variant.
Coding change: c.1831A>C on transcript NM_000245.4 (MANE Select); coding-DNA position 1831, A replaced by C.
Protein change: p.Thr611Pro; replaces threonine 611 with proline.
Molecular consequence: missense variant.
Genome position (GRCh38, 1-based): chr7:116,755,484, A>C. VCF-style: chr7-116755484-A-C. GRCh37 (hg19) VCF-style: chr7-116395538-A-C.
Other names: c.1831A>C, p.Thr611Pro (NM_001127500.3, NM_001324401.3); c.541A>C, p.Thr181Pro (NM_001324402.2); short protein forms T181P, T611P.
Identifiers: ClinVar variation 3294354 (VCV003294354.1).